The following is an entry in ClinVar:

NM_001267550.2(TTN):c.28042C>G (p.Gln9348Glu)

Gene: TTN (titin; minus strand). Cytogenetic location: 2q31.2.
Variant type: single nucleotide variant.
Coding change: c.28042C>G on transcript NM_001267550.2 (MANE Select); coding-DNA position 28042, C replaced by G.
Protein change: p.Gln9348Glu; replaces glutamine 9348 with glutamic acid.
Molecular consequence: missense variant. On other transcripts: intron variant (3).
Genome position (GRCh38, 1-based): chr2:178,711,194, G>C on the plus strand (C>G on the coding strand, the complement: TTN is on the minus strand). VCF-style: chr2-178711194-G-C. GRCh37 (hg19) VCF-style: chr2-179575921-G-C.
Other names: c.27091C>G, p.Gln9031Glu (NM_001256850.1); c.24310C>G, p.Gln8104Glu (NM_133378.4); c.13282+26888C>G (NM_003319.4); c.13858+26888C>G (NM_133437.4); c.13657+26888C>G (NM_133432.3); short protein forms Q9348E, Q8104E, Q9031E.
Identifiers: ClinVar variation 199230 (VCV000199230.7), dbSNP rs794727987, ClinGen allele CA248328.
Genomic context (GRCh38, chr2:178,711,194, plus strand): 5'-CAAGGCTCCGGTCAGTTTTAAAAATATTGAGTGTGGCTGTATTGTCTAAAAATGATGTTT[G>C]TACATTTGGGCTGTCTTTCAATGGCTTGCCGTCTTTATACCAAGACACGGAGATAGGTTC-3'
Protein context (NP_001254479.2, residues 9338-9358): GKPLKDSPNV[Gln9348Glu]TSFLDNTATL

ClinVar aggregate classification (germline): Conflicting classifications of pathogenicity. Review status: criteria provided, conflicting classifications (1 of 4 stars). 3 submissions from 3 submitters: Uncertain significance (2); Likely benign (1). Last evaluated 2025-08-13.

Conditions:
TTN-related disorder. Also called: TTN-related condition; TTN-related disease; TTN-related disorders.

Allele frequency attached by ClinVar (database versions not stated): TOPMed 0.00002; gnomAD 0.00004 and 0.00005.
gnomAD v4.1: 7 of 1,613,662 alleles (0.00043%); highest among the groups gnomAD compares: African/African-American, 0.008%; no homozygotes.

Submissions (3):

PreventionGenetics, part of Exact Sciences
Classification: Uncertain significance for TTN-related condition. Last evaluated: 2025-08-13. Review status: criteria provided, single submitter. Criteria: ACMG Guidelines, 2015. Collection method: clinical testing. Allele origin: germline.
Comment: The TTN c.28042C>G variant is predicted to result in the amino acid substitution p.Gln9348Glu. To our knowledge, this variant has not been reported in the literature. This variant is reported in 0.011% of alleles in individuals of African descent in gnomAD. At this time, the clinical significance of this variant is uncertain due to the absence of conclusive functional and genetic evidence.

GeneDx
Classification: Likely benign. Last evaluated: 2018-03-09. Review status: criteria provided, single submitter. Criteria: GeneDx Variant Classification (06012015). Collection method: clinical testing. Allele origin: germline. Affected: yes.
Comment: This variant is considered likely benign or benign based on one or more of the following criteria: it is a conservative change, it occurs at a poorly conserved position in the protein, it is predicted to be benign by multiple in silico algorithms, and/or has population frequency not consistent with disease.

Eurofins Ntd Llc (ga)
Classification: Uncertain significance. Last evaluated: 2015-08-24. Review status: criteria provided, single submitter. Criteria: EGL Classification Definitions 2015. Collection method: clinical testing. Allele origin: germline. Observed: 1 variant allele, 1 heterozygote.